The following is an entry in ClinVar:

ClinVar aggregate classification (germline): Uncertain significance (1 of 4 stars; one submission).

Conditions:
Mowat-Wilson syndrome (MOWS). Also called: Classic Mowat-Wilson Syndrome. Identifiers: Orphanet 2152, MedGen C1856113, MONDO:0009341, OMIM 235730.

Allele frequency attached by ClinVar (database versions not stated): gnomAD exomes below 0.00001.

Submission:

Labcorp Genetics (formerly Invitae), Labcorp
Classification: Uncertain significance for Mowat-Wilson syndrome. Last evaluated: 2025-10-27. Review status: criteria provided, single submitter. Criteria: Invitae Variant Classification Sherloc (09022015). Collection method: clinical testing. Allele origin: germline.
Comment: This sequence change replaces serine, which is neutral and polar, with phenylalanine, which is neutral and non-polar, at codon 106 of the ZEB2 protein (p.Ser106Phe). This variant is not present in population databases (gnomAD no frequency). This variant has not been reported in the literature in individuals affected with ZEB2-related conditions. ClinVar contains an entry for this variant (Variation ID: 2698652). An algorithm developed to predict the effect of missense changes on protein structure and function (PolyPhen-2) suggests that this variant is likely to be disruptive. In summary, the available evidence is currently insufficient to determine the role of this variant in disease. Therefore, it has been classified as a Variant of Uncertain Significance.

NM_014795.4(ZEB2):c.317C>T (p.Ser106Phe)

Gene: ZEB2 (zinc finger E-box binding homeobox 2; minus strand). Cytogenetic location: 2q22.3.
Variant type: single nucleotide variant.
Coding change: c.317C>T on transcript NM_014795.4 (MANE Select); coding-DNA position 317, C replaced by T.
Protein change: p.Ser106Phe; replaces serine 106 with phenylalanine.
Molecular consequence: missense variant.
Genome position (GRCh38, 1-based): chr2:144,429,783, G>A on the plus strand (C>T on the coding strand, the complement: ZEB2 is on the minus strand). VCF-style: chr2-144429783-G-A. GRCh37 (hg19) VCF-style: chr2-145187350-G-A.
Other names: c.317C>T, p.Ser106Phe (NM_001171653.2); short protein forms S106F.
Identifiers: ClinVar variation 2698652 (VCV002698652.3), dbSNP rs2549120597, ClinGen allele CA348718570.